The following is an entry in ClinVar:

ClinVar aggregate classification (germline): Uncertain significance. Review status: criteria provided, multiple submitters, no conflicts (2 of 4 stars). 3 submissions from 3 submitters: Uncertain significance (3). Last evaluated 2025-11-27.

Conditions:
Inborn genetic diseases. Identifiers: MedGen C0950123, MeSH D030342.

Allele frequency attached by ClinVar (database versions not stated): gnomAD exomes below 0.00001; 1000 Genomes Project 30x 0.00016.
gnomAD v4.1: 27 of 1,307,076 alleles (0.0021%); highest among the groups gnomAD compares: Admixed American, 0.06%; no homozygotes.

Submissions (3):

Labcorp Genetics (formerly Invitae), Labcorp
Classification: Uncertain significance. Last evaluated: 2025-11-27. Review status: criteria provided, single submitter. Criteria: Invitae Variant Classification Sherloc (09022015). Collection method: clinical testing. Allele origin: germline.
Comment: This sequence change replaces serine, which is neutral and polar, with proline, which is neutral and non-polar, at codon 2 of the SMARCD2 protein (p.Ser2Pro). This variant is present in population databases (no rsID available, gnomAD 0.02%). This variant has not been reported in the literature in individuals affected with SMARCD2-related conditions. ClinVar contains an entry for this variant (Variation ID: 1379629). Experimental studies and prediction algorithms are not available or were not evaluated, and the functional significance of this variant is currently unknown. In summary, the available evidence is currently insufficient to determine the role of this variant in disease. Therefore, it has been classified as a Variant of Uncertain Significance.

Ambry Genetics
Classification: Uncertain significance for Inborn genetic diseases. Last evaluated: 2023-11-15. Review status: criteria provided, single submitter. Criteria: Ambry Variant Classification Scheme 2023. Collection method: clinical testing. Allele origin: germline.

Breakthrough Genomics
Classification: Uncertain significance. Review status: criteria provided, single submitter. Criteria: ACMG Guidelines, 2015. Collection method: not provided. Allele origin: germline. Inheritance: Autosomal recessive inheritance. Affected: yes.

NM_001098426.2(SMARCD2):c.4T>C (p.Ser2Pro)

Gene: SMARCD2 (SWI/SNF related BAF chromatin remodeling complex subunit D2; minus strand). Cytogenetic location: 17q23.3.
Variant type: single nucleotide variant.
Coding change: c.4T>C on transcript NM_001098426.2 (MANE Select); coding-DNA position 4, T replaced by C.
Protein change: p.Ser2Pro; replaces serine 2 with proline.
Molecular consequence: missense variant.
Genome position (GRCh38, 1-based): chr17:63,842,671, A>G on the plus strand (T>C on the coding strand, the complement: SMARCD2 is on the minus strand). VCF-style: chr17-63842671-A-G. GRCh37 (hg19) VCF-style: chr17-61920031-A-G.
Other names: c.4T>C (NM_001098426.1); short protein forms S2P.
Identifiers: ClinVar variation 1379629 (VCV001379629.8), dbSNP rs972909853, ClinGen allele CA292957803.
Genomic context (GRCh38, chr17:63,842,671, plus strand): 5'-CCACGGCGCCGCCGCCAGGGCTTAGCGGGGGCAGCGGGAACCCGCCCGCGCCTCGGCCCG[A>G]CATCGCTCCGTCCCGTCCCGCGGTGCCGCGATCCGGACTCCGGGCTCCGCGTCGAGTCCA-3'
Protein context (NP_001091896.1, residues 1-12): M[Ser2Pro]GRGAGGFPLP